The following is an entry in ClinVar:

NM_033286.4(KNSTRN):c.428G>A (p.Arg143Gln)

Gene: KNSTRN (kinetochore localized astrin (SPAG5) binding protein; plus strand). Cytogenetic location: 15q15.1.
Variant type: single nucleotide variant.
Coding change: c.428G>A on transcript NM_033286.4 (MANE Select); coding-DNA position 428, G replaced by A.
Protein change: p.Arg143Gln; replaces arginine 143 with glutamine.
Molecular consequence: missense variant.
Genome position (GRCh38, 1-based): chr15:40,386,485, G>A. VCF-style: chr15-40386485-G-A. GRCh37 (hg19) VCF-style: chr15-40678686-G-A.
Other names: c.428G>A, p.Arg143Gln (NM_001142761.1, NM_001142762.1); short protein forms R143Q.
Identifiers: ClinVar variation 4281212 (VCV004281212.7).

ClinVar aggregate classification (germline): Uncertain significance (1 of 4 stars; one submission).

Submission:

CeGaT Center for Human Genetics Tuebingen
Classification: Uncertain significance. Last evaluated: 2025-09-01. Review status: criteria provided, single submitter. Criteria: CeGaT Center For Human Genetics Tuebingen Variant Classification Criteria Version 2. Collection method: clinical testing. Allele origin: germline. Affected: yes. Observed: 1 variant allele.
Comment: KNSTRN: PM2, BP4